The following is an entry in ClinVar:

NM_001190737.2(NFIB):c.806+3A>C

Gene: NFIB (nuclear factor I B; minus strand). Cytogenetic location: 9p23.
Variant type: single nucleotide variant.
Coding change: c.806+3A>C on transcript NM_001190737.2 (MANE Select); 3 bases into the intron after coding-DNA position 806, A replaced by C.
Molecular consequence: intron variant.
Genome position (GRCh38, 1-based): chr9:14,150,142, T>G on the plus strand (A>C on the coding strand, the complement: NFIB is on the minus strand). VCF-style: chr9-14150142-T-G. GRCh37 (hg19) VCF-style: chr9-14150141-T-G.
Other names: c.806+3A>C (NM_005596.3, NM_001369471.1, NM_001369464.1 and 1 more transcripts); c.872+3A>C (NM_001369468.1, NM_001369462.1, NM_001369459.1 and 1 more transcripts); c.884+3A>C (NM_001190738.2); c.569+3A>C (NM_001369478.1, NM_001369470.1); c.794+3A>C (NM_001369473.1, NM_001369472.1, NM_001369466.1 and 2 more transcripts); c.662+3A>C (NM_001369469.1); c.581+3A>C (NM_001369475.1); c.752+3A>C (NM_001369477.1); and 4 more.
Identifiers: ClinVar variation 2230911 (VCV002230911.2), dbSNP rs2538133361, ClinGen allele CA2580080264.

ClinVar aggregate classification (germline): Uncertain significance (1 of 4 stars; one submission).

Conditions:
Inborn genetic diseases. Identifiers: MedGen C0950123, MeSH D030342.

Submission:

Ambry Genetics
Classification: Uncertain significance for Inborn genetic diseases. Last evaluated: 2021-06-07. Review status: criteria provided, single submitter. Criteria: Ambry Variant Classification Scheme 2023. Collection method: clinical testing. Allele origin: germline.
Comment: Based on insufficient or conflicting evidence, the clinical significance of this alteration remains unclear.